The following is an entry in ClinVar:

ClinVar aggregate classification (germline): Likely pathogenic (1 of 4 stars; one submission).

Conditions:
Dilated cardiomyopathy 1G (CMD1G). Identifiers: Orphanet 154, MedGen C1858763, MONDO:0011400, OMIM 604145.
Autosomal recessive limb-girdle muscular dystrophy type 2J (LGMDR10). Also called: Limb-girdle muscular dystrophy, type 2J; MUSCULAR DYSTROPHY, LIMB-GIRDLE, AUTOSOMAL RECESSIVE 10. Identifiers: Orphanet 140922, MedGen C1837342, MONDO:0012127, OMIM 608807.

Submission:

Labcorp Genetics (formerly Invitae), Labcorp
Classification: Likely pathogenic for Dilated cardiomyopathy 1G; Autosomal recessive limb-girdle muscular dystrophy type 2J. Last evaluated: 2025-07-01. Review status: criteria provided, single submitter. Criteria: Invitae Variant Classification Sherloc (09022015). Collection method: clinical testing. Allele origin: germline.
Comment: This sequence change affects an acceptor splice site in intron 249 of the TTN gene. It is expected to disrupt RNA splicing and likely results in a truncated or disrupted TTN protein. This variant is not present in population databases (gnomAD no frequency). Disruption of this splice site has been observed in individual(s) with dilated cardiomyopathy (PMID: 37767697). This variant is also known as c.19235-1G>A. Algorithms developed to predict the effect of sequence changes on RNA splicing suggest that this variant may disrupt the consensus splice site. This variant is located in the A band of TTN (PMID: 25589632). Truncating variants in this region are significantly overrepresented in patients affected with dilated cardiomyopathy (PMID: 25589632). Truncating variants in this region have also been reported in individuals affected with autosomal recessive centronuclear myopathy (PMID: 23975875). In summary, the currently available evidence indicates that the variant is pathogenic, but additional data are needed to prove that conclusively. Therefore, this variant has been classified as Likely Pathogenic.

Literature cited by the submitters: PubMed 37767697; PubMed 25589632; PubMed 23975875.

NM_001267550.2(TTN):c.46430-1G>A

Genes: TTN (titin; minus strand), TTN-AS1 (TTN antisense RNA 1; plus strand). Cytogenetic location: 2q31.2.
Variant type: single nucleotide variant.
Coding change: c.46430-1G>A on transcript NM_001267550.2 (MANE Select); the canonical splice acceptor site of the intron before coding-DNA position 46430, G replaced by A.
Molecular consequence: splice acceptor variant. On other transcripts: non-coding transcript variant (1).
Genome position (GRCh38, 1-based): chr2:178,619,888, C>T on the plus strand (G>A on the coding strand, the complement: TTN is on the minus strand). VCF-style: chr2-178619888-C-T. GRCh37 (hg19) VCF-style: chr2-179484615-C-T.
Other names: c.19235-1G>A (NM_003319.4); c.19811-1G>A (NM_133437.4); c.19610-1G>A (NM_133432.3); c.38726-1G>A (NM_133378.4); c.41507-1G>A (NM_001256850.1).
Identifiers: ClinVar variation 4783860 (VCV004783860.1).